The following is an entry in ClinVar:

ClinVar aggregate classification (germline): Uncertain significance (1 of 4 stars; one submission).

Conditions:
Cardiovascular phenotype. Identifiers: MedGen CN230736.

Submission:

Ambry Genetics
Classification: Uncertain significance for Cardiovascular phenotype. Last evaluated: 2026-08-16. Review status: criteria provided, single submitter. Criteria: Ambry Variant Classification Scheme 2023. Collection method: clinical testing. Allele origin: germline.
Comment: The p.P3278R variant (also known as c.9833C>G), located in coding exon 38 of the ANK2 gene, results from a C to G substitution at nucleotide position 9833. The proline at codon 3278 is replaced by arginine, an amino acid with dissimilar properties. This amino acid position is conserved. In addition, this alteration is predicted to be deleterious by in silico analysis. Based on the available evidence, the clinical significance of this variant remains unclear.

NM_001148.6(ANK2):c.9833C>G (p.Pro3278Arg)

Gene: ANK2 (ankyrin 2; plus strand). Cytogenetic location: 4q26.
Variant type: single nucleotide variant.
Coding change: c.9833C>G on transcript NM_001148.6 (MANE Select); coding-DNA position 9833, C replaced by G.
Protein change: p.Pro3278Arg; replaces proline 3278 with arginine.
Molecular consequence: missense variant. On other transcripts: intron variant (68).
Genome position (GRCh38, 1-based): chr4:113,358,451, C>G. VCF-style: chr4-113358451-C-G. GRCh37 (hg19) VCF-style: chr4-114279607-C-G.
Other names: c.9599C>G, p.Pro3200Arg (NM_001386142.1); c.6233C>G, p.Pro2078Arg (NM_001386166.1); c.9974C>G, p.Pro3325Arg (NM_001386174.1); c.9950C>G, p.Pro3317Arg (NM_001386175.1); c.4412-2372C>G (NM_001386186.2, NM_001386148.2); c.4214-2372C>G (NM_001354269.3); c.4292-2372C>G (NM_001386187.2); c.4253-2372C>G (NM_001386147.1); and 35 more; short protein forms P3325R, P3278R, P2078R, P3200R, P3317R.
Identifiers: ClinVar variation 5022096 (VCV005022096.1).